The following is an entry in ClinVar:

NM_001009944.3(PKD1):c.6108_6109delinsTT (p.Leu2036_Glu2037delinsPheTer)

Gene: PKD1 (polycystin 1, transient receptor potential channel interacting; minus strand). Cytogenetic location: 16p13.3.
Variant type: Indel.
Coding change: c.6108_6109delinsTT on transcript NM_001009944.3 (MANE Select); coding-DNA positions 6108 to 6109, GG replaced by TT.
Protein change: p.Leu2036_Glu2037delinsPheTer.
Molecular consequence: nonsense.
Genome position (GRCh38, 1-based): chr16:2,109,058-2,109,059, CC replaced by AA on the plus strand (GG replaced by TT on the coding strand, the reverse complement: PKD1 is on the minus strand). VCF-style: chr16-2109058-CC-AA. GRCh37 (hg19) VCF-style: chr16-2159059-CC-AA.
Other names: c.6108_6109delinsTT, p.Leu2036_Glu2037delinsPheTer (NM_000296.4).
Identifiers: ClinVar variation 5019790 (VCV005019790.1).
Genomic context (GRCh38, chr16:2,109,058, plus strand): 5'-CCTCCAGCACCAGCGTGCGGTTCTCACTGCCCAGGGCGTTGAAGGCGCGCACCTGGATCT[CC>AA]AACAGCCCCGCGGCCACGGGCGTGTAGGTGACGTCGCGGCCCGACAGGATGACCAGCGAG-3'

ClinVar aggregate classification (germline): Likely pathogenic (1 of 4 stars; one submission).

Conditions:
Polycystic kidney disease, adult type (PKD1). Also called: POLYCYSTIC KIDNEY DISEASE 1 WITH OR WITHOUT POLYCYSTIC LIVER DISEASE; POLYCYSTIC KIDNEY DISEASE, ADULT, TYPE I; Polycystic Kidney Disease 1, Autosomal Dominant; Polycystic kidney disease 1; Polycystic kidney disease 1, severe; Polycystic Kidney, Autosomal Dominant. Identifiers: MedGen C3149841, MONDO:0008263, OMIM 173900.

Submission:

Juno Genomics, Hangzhou Juno Genomics, Inc
Classification: Likely pathogenic for Polycystic kidney disease, adult type. Review status: criteria provided, single submitter. Criteria: ACMG Guidelines, 2015. Collection method: clinical testing. Allele origin: germline. Affected: yes.
Comment: Absent from controls (or at extremely low frequency if recessive) in Genome Aggregation Database.;Null variant in a gene where loss of function (LOF) is a known mechanism of disease.